The following is an entry in ClinVar:

ClinVar aggregate classification (germline): Uncertain significance (1 of 4 stars; one submission).

Conditions:
DICER1-related tumor predisposition. Also called: DICER1 syndrome; DICER1-related pleuropulmonary blastoma cancer predisposition syndrome. Identifiers: Orphanet 284343, MedGen C3839822, MONDO:0100216.

Submission:

Labcorp Genetics (formerly Invitae), Labcorp
Classification: Uncertain significance for DICER1-related tumor predisposition. Last evaluated: 2025-11-09. Review status: criteria provided, single submitter. Criteria: Invitae Variant Classification Sherloc (09022015). Collection method: clinical testing. Allele origin: germline.
Comment: This sequence change replaces glycine, which is neutral and non-polar, with valine, which is neutral and non-polar, at codon 1263 of the DICER1 protein (p.Gly1263Val). This variant is not present in population databases (gnomAD no frequency). This variant has not been reported in the literature in individuals affected with DICER1-related conditions. Invitae Evidence Modeling of protein sequence and biophysical properties (such as structural, functional, and spatial information, amino acid conservation, physicochemical variation, residue mobility, and thermodynamic stability) indicates that this missense variant is not expected to disrupt DICER1 protein function with a negative predictive value of 95%. In summary, the available evidence is currently insufficient to determine the role of this variant in disease. Therefore, it has been classified as a Variant of Uncertain Significance.

NM_177438.3(DICER1):c.3788G>T (p.Gly1263Val)

Gene: DICER1 (dicer 1, ribonuclease III; minus strand). Cytogenetic location: 14q32.13.
Variant type: single nucleotide variant.
Coding change: c.3788G>T on transcript NM_177438.3 (MANE Select); coding-DNA position 3788, G replaced by T.
Protein change: p.Gly1263Val; replaces glycine 1263 with valine.
Molecular consequence: missense variant. On other transcripts: non-coding transcript variant (6).
Genome position (GRCh38, 1-based): chr14:95,103,608, C>A on the plus strand (G>T on the coding strand, the complement: DICER1 is on the minus strand). VCF-style: chr14-95103608-C-A. GRCh37 (hg19) VCF-style: chr14-95569945-C-A.
Other names: c.3383G>T, p.Gly1128Val (NM_001395696.1, NM_001395687.1, NM_001395688.1 and 2 more transcripts); c.2105G>T, p.Gly702Val (NM_001395697.1); c.3788G>T, p.Gly1263Val (NM_030621.4, NM_001195573.1, NM_001271282.3 and 12 more transcripts); c.3506G>T, p.Gly1169Val (NM_001395686.1); c.3221G>T, p.Gly1074Val (NM_001395691.1); short protein forms G1169V, G1128V, G1074V, G702V, G1263V.
Identifiers: ClinVar variation 4704530 (VCV004704530.1).